The following is an entry in ClinVar:

ClinVar aggregate classification (germline): Uncertain significance. Review status: reviewed by expert panel (3 of 4 stars). 2 submissions from 2 submitters: Uncertain significance (1). 1 of the submissions does not count toward it. Last evaluated 2025-01-15.

Conditions:
Hereditary thrombocytopenia and hematologic cancer predisposition syndrome. Identifiers: Orphanet 71290, MedGen CN281654, MONDO:0011071.
Hereditary thrombocytopenia and hematological cancer predisposition syndrome associated with RUNX1. Also called: RUNX1 Familial Platelet Disorder with Associated Myeloid Malignancies; Familial Platelet Disorder with Propensity to Acute Myelogenous Leukemia; Familial thrombocytopenia with propensity to acute myelogenous leukemia; PLATELET DISORDER, ASPIRIN-LIKE. Identifiers: Orphanet 71290, MedGen C1832388, MeSH C563324, MONDO:0100083, OMIM 601399.

Submissions (2):

ClinGen Myeloid Malignancy Variant Curation Expert Panel
Classification: Uncertain significance for Hereditary thrombocytopenia and hematologic cancer predisposition syndrome. Last evaluated: 2025-01-15. Review status: reviewed by expert panel. Criteria: ClinGen MyeloMalig ACMG Specifications v2. Collection method: curation. Allele origin: germline. Inheritance: Autosomal dominant inheritance.
Comment: NM_001754.5(RUNX1):c.509-11T>A is an intronic variant that is completely absent from all population databases with at least 20x coverage for RUNX1 (PM2_Supporting). This variant does not have an available REVEL score, but this variant has a SpliceAI score ≥ 0.38 (0.92) (PP3). In summary, the clinical significance of this variant is uncertain. ACMG/AMP criteria applied, as specified by the Myeloid Malignancy Variant Curation Expert Panel for RUNX1: PM2_Supporting, PP3.

Labcorp Genetics (formerly Invitae), Labcorp
Classification: Likely benign for Hereditary thrombocytopenia and hematological cancer predisposition syndrome associated with RUNX1. Last evaluated: 2021-06-01. Review status: criteria provided, single submitter. Criteria: Invitae Variant Classification Sherloc (09022015). Collection method: clinical testing. Allele origin: germline. Not counted in ClinVar's aggregate classification.

NM_001754.5(RUNX1):c.509-11T>A

Genes: RUNX1 (RUNX family transcription factor 1; minus strand), RUNX1-AS1 (RUNX1 antisense RNA 1; plus strand). Cytogenetic location: 21q22.12.
Variant type: single nucleotide variant.
Coding change: c.509-11T>A on transcript NM_001754.5 (MANE Select); 11 bases into the intron before coding-DNA position 509, T replaced by A.
Molecular consequence: intron variant.
Genome position (GRCh38, 1-based): chr21:34,859,589, A>T on the plus strand (T>A on the coding strand, the complement: RUNX1 is on the minus strand). VCF-style: chr21-34859589-A-T. GRCh37 (hg19) VCF-style: chr21-36231886-A-T.
Other names: c.428-11T>A (NM_001001890.3, NM_001122607.2).
Identifiers: ClinVar variation 1547462 (VCV001547462.9), dbSNP rs2146237192, ClinGen allele CA2573157351.
Genomic context (GRCh38, chr21:34,859,589, plus strand): 5'-GACTTGCGGTGGGTTTGTGAAGACAGTGATGGTCAGAGTGAAGCTTTTCCCTGTGGGGAC[A>T]CGATAGAGAACAAAACAGAATGAGGTTGGTGGCCTGAACATATCTGTTGAATAACCAATC-3'